The following is an entry in ClinVar:

ClinVar aggregate classification (germline): Uncertain significance. Review status: criteria provided, multiple submitters, no conflicts (2 of 4 stars). 4 submissions from 4 submitters: Uncertain significance (4). Last evaluated 2025-06-03.

Conditions:
Autosomal recessive Alport syndrome (ATS2). Also called: Alport syndrome type 2; COL4A3-Related Nephropathy; ALPORT SYNDROME 2, AUTOSOMAL RECESSIVE; COL4A4 Alport Syndrome and Thin Basement Membrane Nephropathy. Identifiers: Orphanet 63, Orphanet 88919, MedGen C4746745, MONDO:0008762, OMIM 203780.
Hematuria, benign familial, 1 (BFH1). Also called: THIN MEMBRANE NEPHROPATHY. Identifiers: MedGen CN376803, MONDO:0007709, OMIM 141200.
Inborn genetic diseases. Identifiers: MedGen C0950123, MeSH D030342.

Allele frequency attached by ClinVar (database versions not stated): gnomAD 0.00001; gnomAD exomes 0.00001; TOPMed 0.00001; ExAC 0.00002.
gnomAD v4.1: 11 of 1,613,796 alleles (0.00068%); highest among the groups gnomAD compares: Non-Finnish European, 0.00093%; no homozygotes.

Submissions (4):

Ambry Genetics
Classification: Uncertain significance for Inborn genetic diseases. Last evaluated: 2025-06-03. Review status: criteria provided, single submitter. Criteria: Ambry Variant Classification Scheme 2023. Collection method: clinical testing. Allele origin: germline.

Labcorp Genetics (formerly Invitae), Labcorp
Classification: Uncertain significance. Last evaluated: 2024-06-05. Review status: criteria provided, single submitter. Criteria: Invitae Variant Classification Sherloc (09022015). Collection method: clinical testing. Allele origin: germline.
Comment: This sequence change replaces threonine, which is neutral and polar, with asparagine, which is neutral and polar, at codon 608 of the COL4A4 protein (p.Thr608Asn). This variant is present in population databases (rs747599746, gnomAD 0.002%). This variant has not been reported in the literature in individuals affected with COL4A4-related conditions. ClinVar contains an entry for this variant (Variation ID: 1314902). Advanced modeling of protein sequence and biophysical properties (such as structural, functional, and spatial information, amino acid conservation, physicochemical variation, residue mobility, and thermodynamic stability) performed at Invitae indicates that this missense variant is not expected to disrupt COL4A4 protein function with a negative predictive value of 95%. In summary, the available evidence is currently insufficient to determine the role of this variant in disease. Therefore, it has been classified as a Variant of Uncertain Significance.

Fulgent Genetics
Classification: Uncertain significance for Hematuria, benign familial, 1; Autosomal recessive Alport syndrome. Last evaluated: 2023-12-28. Review status: criteria provided, single submitter. Criteria: ACMG Guidelines, 2015. Collection method: clinical testing. Allele origin: germline.

GeneDx
Classification: Uncertain significance. Last evaluated: 2023-06-16. Review status: criteria provided, single submitter. Criteria: GeneDx Variant Classification Process June 2021. Collection method: clinical testing. Allele origin: germline. Affected: yes.
Comment: Not observed at significant frequency in large population cohorts (gnomAD); In silico analysis supports that this missense variant does not alter protein structure/function; Occurs in the triple helical domain within an interruption of the canonical Gly-X-Y repeat; Has not been previously published as pathogenic or benign to our knowledge

NM_000092.5(COL4A4):c.1823C>A (p.Thr608Asn)

Gene: COL4A4 (collagen type IV alpha 4 chain; minus strand). Cytogenetic location: 2q36.3.
Variant type: single nucleotide variant.
Coding change: c.1823C>A on transcript NM_000092.5 (MANE Select); coding-DNA position 1823, C replaced by A.
Protein change: p.Thr608Asn; replaces threonine 608 with asparagine.
Molecular consequence: missense variant.
Genome position (GRCh38, 1-based): chr2:227,078,058, G>T on the plus strand (C>A on the coding strand, the complement: COL4A4 is on the minus strand). VCF-style: chr2-227078058-G-T. GRCh37 (hg19) VCF-style: chr2-227942774-G-T.
Other names: short protein forms T608N.
Identifiers: ClinVar variation 1314902 (VCV001314902.7), dbSNP rs747599746, ClinGen allele CA2145037.